The following is an entry in ClinVar:

ClinVar aggregate classification (germline): Uncertain significance (1 of 4 stars; one submission).

Conditions:
CEP164-related disorder. Also called: CEP164-related condition.

Submission:

PreventionGenetics, part of Exact Sciences
Classification: Uncertain significance for CEP164-related condition. Last evaluated: 2025-01-08. Review status: criteria provided, single submitter. Criteria: ACMG Guidelines, 2015. Collection method: clinical testing. Allele origin: germline.
Comment: The CEP164 c.2959C>T variant is predicted to result in the amino acid substitution p.His987Tyr. To our knowledge, this variant has not been reported in the literature or in a large population database (gnomAD), indicating this variant is rare. At this time, the clinical significance of this variant is uncertain due to the absence of conclusive functional and genetic evidence.

NM_014956.5(CEP164):c.2959C>T (p.His987Tyr)

Gene: CEP164 (centrosomal protein 164; plus strand). Cytogenetic location: 11q23.3.
Variant type: single nucleotide variant.
Coding change: c.2959C>T on transcript NM_014956.5 (MANE Select); coding-DNA position 2959, C replaced by T.
Protein change: p.His987Tyr; replaces histidine 987 with tyrosine.
Molecular consequence: missense variant.
Genome position (GRCh38, 1-based): chr11:117,395,592, C>T. VCF-style: chr11-117395592-C-T. GRCh37 (hg19) VCF-style: chr11-117266308-C-T.
Other names: c.2968C>T, p.His990Tyr (NM_001271933.2, NM_001440949.1); c.2959C>T, p.His987Tyr (NM_001440950.1, NM_001440951.1, NM_001440953.1); c.2794C>T, p.His932Tyr (NM_001440952.1, NM_001440968.1, NM_001440969.1); c.2881C>T, p.His961Tyr (NM_001440954.1, NM_001440955.1, NM_001440958.1 and 1 more transcripts); c.2872C>T, p.His958Tyr (NM_001440956.1, NM_001440957.1); c.2830C>T, p.His944Tyr (NM_001440960.1); c.2821C>T, p.His941Tyr (NM_001440961.1, NM_001440967.1); c.2812C>T, p.His938Tyr (NM_001440962.1, NM_001440963.1, NM_001440964.1 and 4 more transcripts); and 7 more; short protein forms H842Y, H862Y, H868Y, H932Y, H938Y, H987Y, H990Y, H912Y.
Identifiers: ClinVar variation 4998417 (VCV004998417.1).
Genomic context (GRCh38, chr11:117,395,592, plus strand): 5'-TCCTTTTGCCCCTAGGAAGCCACAGCCACCCATCAGCAGCTGGAGGAGGCACAGAAGGAG[C>T]ACACCCACCTGTTGCAGTCAAACCAGCAGCTCCGAGAAATTCTTGATGAGCTGCAGGCCC-3'
Protein context (NP_055771.4, residues 977-997): HQQLEEAQKE[His987Tyr]THLLQSNQQL